The following is an entry in ClinVar:

NM_006939.4(SOS2):c.3430C>G (p.Leu1144Val)

Gene: SOS2 (SOS Ras/Rho guanine nucleotide exchange factor 2; minus strand). Cytogenetic location: 14q21.3.
Variant type: single nucleotide variant.
Coding change: c.3430C>G on transcript NM_006939.4 (MANE Select); coding-DNA position 3430, C replaced by G.
Protein change: p.Leu1144Val; replaces leucine 1144 with valine.
Molecular consequence: missense variant.
Genome position (GRCh38, 1-based): chr14:50,120,334, G>C on the plus strand (C>G on the coding strand, the complement: SOS2 is on the minus strand). VCF-style: chr14-50120334-G-C. GRCh37 (hg19) VCF-style: chr14-50587052-G-C.
Other names: c.3331C>G, p.Leu1111Val (NM_001411020.1); short protein forms L1111V, L1144V.
Identifiers: ClinVar variation 3636084 (VCV003636084.2).

ClinVar aggregate classification (germline): Uncertain significance (1 of 4 stars; one submission).

Conditions:
Noonan syndrome 9 (NS9). Identifiers: Orphanet 648, MedGen C4225282, MONDO:0014691, OMIM 616559.

gnomAD v4.1: 1 of 1,609,122 alleles (0.000062%); highest among the groups gnomAD compares: African/African-American, 0.0013%; no homozygotes.

Submission:

Labcorp Genetics (formerly Invitae), Labcorp
Classification: Uncertain significance for Noonan syndrome 9. Last evaluated: 2024-06-21. Review status: criteria provided, single submitter. Criteria: Invitae Variant Classification Sherloc (09022015). Collection method: clinical testing. Allele origin: germline.
Comment: This sequence change replaces leucine, which is neutral and non-polar, with valine, which is neutral and non-polar, at codon 1144 of the SOS2 protein (p.Leu1144Val). This variant is not present in population databases (gnomAD no frequency). This variant has not been reported in the literature in individuals affected with SOS2-related conditions. Advanced modeling of protein sequence and biophysical properties (such as structural, functional, and spatial information, amino acid conservation, physicochemical variation, residue mobility, and thermodynamic stability) performed at Invitae indicates that this missense variant is not expected to disrupt SOS2 protein function with a negative predictive value of 95%. In summary, the available evidence is currently insufficient to determine the role of this variant in disease. Therefore, it has been classified as a Variant of Uncertain Significance.